The following is an entry in ClinVar:

NM_018075.5(ANO10):c.1291C>T (p.Gln431Ter)

Gene: ANO10 (anoctamin 10; minus strand). Cytogenetic location: 3p22.1.
Variant type: single nucleotide variant.
Coding change: c.1291C>T on transcript NM_018075.5 (MANE Select); coding-DNA position 1291, C replaced by T.
Protein change: p.Gln431Ter; replaces glutamine 431 with a stop codon.
Molecular consequence: nonsense.
Genome position (GRCh38, 1-based): chr3:43,565,655, G>A on the plus strand (C>T on the coding strand, the complement: ANO10 is on the minus strand). VCF-style: chr3-43565655-G-A. GRCh37 (hg19) VCF-style: chr3-43607147-G-A.
Other names: c.1291C>T, p.Gln431Ter (NM_001204831.3, NM_001346463.2, NM_001346464.2 and 3 more transcripts); c.1093C>T, p.Gln365Ter (NM_001204832.3, NM_001346466.2, NM_001346469.2); c.958C>T, p.Gln320Ter (NM_001204833.3); c.721C>T, p.Gln241Ter (NM_001204834.3); short protein forms Q241*, Q320*, Q365*, Q431*.
Identifiers: ClinVar variation 5012931 (VCV005012931.1).

ClinVar aggregate classification (germline): Pathogenic (1 of 4 stars; one submission).

Conditions:
Autosomal recessive spinocerebellar ataxia 10. Identifiers: Orphanet 284289, MedGen C3150998, MONDO:0013392, OMIM 613728.

Submission:

Myriad Genetics, Inc.
Classification: Pathogenic for Autosomal recessive spinocerebellar ataxia 10. Last evaluated: 2024-04-19. Review status: criteria provided, single submitter. Criteria: Myriad Autosomal Dominant, Autosomal Recessive and X-Linked Classification Criteria (2023). Collection method: clinical testing. Allele origin: unknown.
Comment: NM_018075.3(ANO10):c.1291C>T(Q431*) is expected to be pathogenic in the context of spinocerebellar ataxia, ANO10-related. This variant is predicted to lead to an abnormal or absent protein product due to the creation of a premature termination codon in ANO10, a gene where loss-of-function variants are known to be pathogenic. Please note: this variant was assessed in the context of healthy population screening.